The following is an entry in ClinVar:

NM_033380.3(COL4A5):c.3365G>A (p.Gly1122Glu)

Gene: COL4A5 (collagen type IV alpha 5 chain; plus strand). Cytogenetic location: Xq22.3.
Variant type: single nucleotide variant.
Coding change: c.3365G>A on transcript NM_033380.3 (MANE Select); coding-DNA position 3365, G replaced by A.
Protein change: p.Gly1122Glu; replaces glycine 1122 with glutamic acid.
Molecular consequence: missense variant.
Genome position (GRCh38, 1-based): chrX:108,655,449, G>A. VCF-style: chrX-108655449-G-A. GRCh37 (hg19) VCF-style: chrX-107898679-G-A.
Other names: c.3365G>A, p.Gly1122Glu (NM_000495.5); short protein forms G1122E.
Identifiers: ClinVar variation 2627146 (VCV002627146.4), dbSNP rs2524532092, ClinGen allele CA413857639.
Genomic context (GRCh38, chrX:108,655,449, plus strand): 5'-ATCCTGGTTTGCCCGGATTACCAGGAACCCCTGGAGCAAAAGGACAACCAGGCCTTCCTG[G>A]ATTCCCAGGTAAAATTTCTTCTCTTAAATGCTTCCTTCTTTCCTTCCTTATCTACTCCAA-3'
Protein context (NP_203699.1, residues 1112-1132): PGAKGQPGLP[Gly1122Glu]FPGTPGPPGP

ClinVar aggregate classification (germline): Likely pathogenic. Review status: criteria provided, multiple submitters, no conflicts (2 of 4 stars). 2 submissions from 2 submitters: Likely pathogenic (2). Last evaluated 2023-09-09.

Conditions:
X-linked Alport syndrome (ATS1). Also called: NEPHROPATHY AND DEAFNESS, X-LINKED; COL4A5-Related Nephropathy. Identifiers: Orphanet 63, Orphanet 88917, MedGen C4746986, MONDO:0010520, OMIM 301050.

Submissions (2):

Labcorp Genetics (formerly Invitae), Labcorp
Classification: Likely pathogenic. Last evaluated: 2023-09-09. Review status: criteria provided, single submitter. Criteria: Invitae Variant Classification Sherloc (09022015). Collection method: clinical testing. Allele origin: germline.
Comment: This sequence change replaces glycine, which is neutral and non-polar, with glutamic acid, which is acidic and polar, at codon 1122 of the COL4A5 protein (p.Gly1122Glu). This variant is not present in population databases (gnomAD no frequency). This variant has not been reported in the literature in individuals affected with COL4A5-related conditions. Advanced modeling of protein sequence and biophysical properties (such as structural, functional, and spatial information, amino acid conservation, physicochemical variation, residue mobility, and thermodynamic stability) performed at Invitae indicates that this missense variant is expected to disrupt COL4A5 protein function. In summary, the currently available evidence indicates that the variant is pathogenic, but additional data are needed to prove that conclusively. Therefore, this variant has been classified as Likely Pathogenic. This variant disrupts the triple helix domain of COL4A5. Glycine residues within the Gly-Xaa-Yaa repeats of the triple helix domain are required for the structure and stability of fibrillar collagens (PMID: 7695699, 8218237, 19344236). In COL4A5, missense variants at these glycine residues are significantly enriched in individuals with disease (PMID: 23720012, 27627812) compared to the general population (ExAC).

Women's Health and Genetics/Laboratory Corporation of America, LabCorp
Classification: Likely pathogenic for X-linked Alport syndrome. Last evaluated: 2023-09-07. Review status: criteria provided, single submitter. Criteria: LabCorp Variant Classification Summary - May 2015. Collection method: clinical testing. Allele origin: germline.
Comment: Variant summary: COL4A5 c.3365G>A (p.Gly1122Glu) results in a non-conservative amino acid change located in the Collagen triple helix repeat (IPR008160) of the encoded protein sequence. Alterations of glycine residues within the collagen triple-helix are common mechanisms of disease. Five of five in-silico tools predict a damaging effect of the variant on protein function. The variant was absent in 182948 control chromosomes (gnomAD). To our knowledge, no occurrence of c.3365G>A in individuals affected with Alport Syndrome 1, X-Linked Recessive and no experimental evidence demonstrating its impact on protein function have been reported. No submitters have cited clinical-significance assessments for this variant to ClinVar after 2014. Based on the evidence outlined above, the variant was classified as likely pathogenic.

Literature cited by the submitters: PubMed 7695699 (cited by Labcorp Genetics (formerly Invitae), Labcorp); PubMed 8218237 (cited by Labcorp Genetics (formerly Invitae), Labcorp); PubMed 19344236 (cited by Labcorp Genetics (formerly Invitae), Labcorp); PubMed 23720012 (cited by Labcorp Genetics (formerly Invitae), Labcorp); PubMed 27627812 (cited by Labcorp Genetics (formerly Invitae), Labcorp).